The following is an entry in ClinVar:

ClinVar aggregate classification (germline): Pathogenic. Review status: criteria provided, multiple submitters, no conflicts (2 of 4 stars). 3 submissions from 3 submitters: Pathogenic (2). 1 of the submissions does not count toward it. Last evaluated 2024-10-23.

Conditions:
Bardet-Biedl syndrome 1 (BBS1). Identifiers: MedGen C2936862, MONDO:0008854, OMIM 209900. Disease mechanism: loss of function.

Submissions (3):

Natera, Inc.
Classification: Pathogenic for Bardet-Biedl syndrome type 1. Last evaluated: 2024-10-23. Review status: criteria provided, single submitter. Criteria: Natera Variant Classification Schema (03/2026). Collection method: clinical testing. Allele origin: germline.
Comment: The c.124+1G>A variant in BBS1 is a canonical splice donor site variant predicted to affect pre-mRNA splicing, which may result in an abnormal transcript and altered protein product. This variant is expected to result in nonsense mediated decay, truncation, or a dysfunctional protein product. This variant is rare in the general population with a frequency below the threshold expected for the associated phenotype(s). This variant has been observed in one or more individuals affected with the associated recessive disease, as either homozygous or compound heterozygous with a second variant (PMID: 38927698, 19797195). Additionally, this variant has been observed to segregate in affected family members (PMID: 38927698). Given the available evidence, this variant is classified as Pathogenic.

Genomic Medicine Center of Excellence, King Faisal Specialist Hospital and Research Centre
Classification: Pathogenic for Bardet-Biedl syndrome 1. Last evaluated: 2024-02-11. Review status: criteria provided, single submitter. Criteria: ACMG Guidelines, 2015. Collection method: research. Allele origin: germline.

Counsyl
Classification: Pathogenic for Bardet-Biedl syndrome 1. Last evaluated: 2018-03-30. Review status: no assertion criteria provided. Collection method: clinical testing. Allele origin: unknown. Not counted in ClinVar's aggregate classification.

Literature cited by the submitters: PubMed 38927698 (cited by Natera, Inc.); PubMed 19797195 (cited by Natera, Inc. and Counsyl); PubMed 22353939 (cited by Counsyl).

NM_024649.5(BBS1):c.124+1G>A

Gene: BBS1 (Bardet-Biedl syndrome 1; plus strand). Cytogenetic location: 11q13.2.
Variant type: single nucleotide variant.
Coding change: c.124+1G>A on transcript NM_024649.5 (MANE Select); the canonical splice donor site of the intron after coding-DNA position 124, G replaced by A.
Molecular consequence: splice donor variant.
Genome position (GRCh38, 1-based): chr11:66,511,090, G>A. VCF-style: chr11-66511090-G-A. GRCh37 (hg19) VCF-style: chr11-66278561-G-A.
Identifiers: ClinVar variation 557428 (VCV000557428.5), dbSNP rs1057516449, ClinGen allele CA381453909.
Genomic context (GRCh38, chr11:66,511,090, plus strand): 5'-AGTGGTTGGATGCGCACTACGACCCAATGGCCAATATCCACACCTTTTCTGCCTGCCTAG[G>A]TGAGTCTCTGGAACCAGGAACCCTGGGTTCTAGTGGGATGGGGAGTCAGACAATGGTCCT-3'